The following is an entry in ClinVar:

ClinVar aggregate classification (germline): Uncertain significance (1 of 4 stars; one submission).

Conditions:
Cobalamin C disease. Also called: Cobalamin-C methylmalonic acidemia and homocystinuria; Methylmalonic acidemia and homocystinuria cblC type; Methylmalonic aciduria with homocystinuria cblC type; methylmalonic aciduria and homocystinuria type cblC; Methylmalonic aciduria and homocystinuria, Vitamin B12-responsive; Vitamin B12 metabolic defect with combined deficiency of methylmalonyl-CoA mutase and homocysteine:methyltetrahydrofolate methyltransferase. Identifiers: Orphanet 26, Orphanet 79282, MedGen C1848561, MONDO:0010184, OMIM 277400.

Allele frequency attached by ClinVar (database versions not stated): gnomAD exomes 0.00001.
gnomAD v4.1: 5 of 1,614,100 alleles (0.00031%); highest among the groups gnomAD compares: South Asian, 0.0055%; no homozygotes.

Submission:

Labcorp Genetics (formerly Invitae), Labcorp
Classification: Uncertain significance for Cobalamin C disease. Last evaluated: 2021-09-01. Review status: criteria provided, single submitter. Criteria: Invitae Variant Classification Sherloc (09022015). Collection method: clinical testing. Allele origin: germline.
Comment: This sequence change replaces valine with alanine at codon 163 of the MMACHC protein (p.Val163Ala). The valine residue is highly conserved and there is a small physicochemical difference between valine and alanine. This variant is not present in population databases (ExAC no frequency). This variant has not been reported in the literature in individuals affected with MMACHC-related conditions. Algorithms developed to predict the effect of missense changes on protein structure and function (SIFT, PolyPhen-2, Align-GVGD) all suggest that this variant is likely to be disruptive. In summary, the available evidence is currently insufficient to determine the role of this variant in disease. Therefore, it has been classified as a Variant of Uncertain Significance.

NM_015506.3(MMACHC):c.488T>C (p.Val163Ala)

Gene: MMACHC (metabolism of cobalamin associated C; plus strand). Cytogenetic location: 1p34.1.
Variant type: single nucleotide variant.
Coding change: c.488T>C on transcript NM_015506.3 (MANE Select); coding-DNA position 488, T replaced by C.
Protein change: p.Val163Ala; replaces valine 163 with alanine.
Molecular consequence: missense variant.
Genome position (GRCh38, 1-based): chr1:45,508,854, T>C. VCF-style: chr1-45508854-T-C. GRCh37 (hg19) VCF-style: chr1-45974526-T-C.
Other names: c.317T>C, p.Val106Ala (NM_001330540.2); short protein forms V163A, V106A.
Identifiers: ClinVar variation 656319 (VCV000656319.6), dbSNP rs1570832855, ClinGen allele CA340133192.